The following is an entry in ClinVar:

ClinVar aggregate classification (germline): Pathogenic (1 of 4 stars; one submission).

Submission:

GeneDx
Classification: Pathogenic. Last evaluated: 2025-10-28. Review status: criteria provided, single submitter. Criteria: GeneDx Variant Classification Process June 2021. Collection method: clinical testing. Allele origin: germline.
Comment: Canonical splice site variant predicted to result in an in-frame loss of the adjacent exon in a gene for which loss of function is a known mechanism of disease; Not observed at significant frequency in large population cohorts (gnomAD); Has not been previously published as pathogenic or benign to our knowledge

NM_001080517.3(SETD5):c.2346+1G>A

Gene: SETD5 (SET domain containing 5; plus strand). Cytogenetic location: 3p25.3.
Variant type: single nucleotide variant.
Coding change: c.2346+1G>A on transcript NM_001080517.3 (MANE Select); the canonical splice donor site of the intron after coding-DNA position 2346, G replaced by A.
Molecular consequence: splice donor variant.
Genome position (GRCh38, 1-based): chr3:9,448,631, G>A. VCF-style: chr3-9448631-G-A. GRCh37 (hg19) VCF-style: chr3-9490315-G-A.
Other names: c.2052+1G>A (NM_001349451.2, NM_001292043.2).
Identifiers: ClinVar variation 3365146 (VCV003365146.2).
Genomic context (GRCh38, chr3:9,448,631, plus strand): 5'-ATCCCTGAGAGACGTCGAAGGCCCCTTCTGCCTGATGGCACATTCAGCTCCTGTAAGAAG[G>A]TATGTCTGTGTTTTTGTGTGTGTGTTGTGTTTATGTGTGTGTGCTTTATTTTTTTAAGCC-3'